The following is an entry in ClinVar:

ClinVar aggregate classification (germline): Uncertain significance (1 of 4 stars; one submission).

gnomAD v4.1: 85 of 1,613,846 alleles (0.0053%); highest among the groups gnomAD compares: Non-Finnish European, 0.0069%; 1 homozygote.

Submission:

Labcorp Genetics (formerly Invitae), Labcorp
Classification: Uncertain significance. Last evaluated: 2025-07-27. Review status: criteria provided, single submitter. Criteria: Invitae Variant Classification Sherloc (09022015). Collection method: clinical testing. Allele origin: germline.
Comment: This sequence change replaces lysine, which is basic and polar, with isoleucine, which is neutral and non-polar, at codon 990 of the NPAT protein (p.Lys990Ile). This variant is present in population databases (rs373422788, gnomAD 0.008%). This variant has not been reported in the literature in individuals affected with NPAT-related conditions. ClinVar contains an entry for this variant (Variation ID: 3716224). An algorithm developed to predict the effect of missense changes on protein structure and function (PolyPhen-2) suggests that this variant is likely to be disruptive. In summary, the available evidence is currently insufficient to determine the role of this variant in disease. Therefore, it has been classified as a Variant of Uncertain Significance.

NM_002519.3(NPAT):c.2969A>T (p.Lys990Ile)

Gene: NPAT (nuclear protein, coactivator of histone transcription; minus strand). Cytogenetic location: 11q22.3.
Variant type: single nucleotide variant.
Coding change: c.2969A>T on transcript NM_002519.3 (MANE Select); coding-DNA position 2969, A replaced by T.
Protein change: p.Lys990Ile; replaces lysine 990 with isoleucine.
Molecular consequence: missense variant.
Genome position (GRCh38, 1-based): chr11:108,169,785, T>A on the plus strand (A>T on the coding strand, the complement: NPAT is on the minus strand). VCF-style: chr11-108169785-T-A. GRCh37 (hg19) VCF-style: chr11-108040512-T-A.
Other names: c.2969A>T, p.Lys990Ile (NM_001321307.1); short protein forms K990I.
Identifiers: ClinVar variation 3716224 (VCV003716224.2).